The following is an entry in ClinVar:

NM_018238.4(AGK):c.544A>C (p.Ile182Leu)

Gene: AGK (acylglycerol kinase; plus strand). Cytogenetic location: 7q34.
Variant type: single nucleotide variant.
Coding change: c.544A>C on transcript NM_018238.4 (MANE Select); coding-DNA position 544, A replaced by C.
Protein change: p.Ile182Leu; replaces isoleucine 182 with leucine.
Molecular consequence: missense variant.
Genome position (GRCh38, 1-based): chr7:141,621,757, A>C. VCF-style: chr7-141621757-A-C. GRCh37 (hg19) VCF-style: chr7-141321557-A-C.
Other names: c.544A>C, p.Ile182Leu (NM_001364948.3); short protein forms I182L.
Identifiers: ClinVar variation 1395353 (VCV001395353.6), dbSNP rs200104400, ClinGen allele CA369552919.

ClinVar aggregate classification (germline): Uncertain significance (1 of 4 stars; one submission).

Conditions:
Sengers syndrome. Also called: MITOCHONDRIAL DNA DEPLETION SYNDROME 10 (CARDIOMYOPATHIC TYPE); Cardiomyopathy and cataract. Identifiers: Orphanet 1369, MedGen C1859317, MONDO:0008922, OMIM 212350.
Cataract 38. Also called: Cataract, autosomal recessive congenital 5; Cataract 38, autosomal recessive. Identifiers: Orphanet 91492, MedGen C3553494, MONDO:0013859, OMIM 614691.

Submission:

Labcorp Genetics (formerly Invitae), Labcorp
Classification: Uncertain significance for Sengers syndrome; Cataract 38. Last evaluated: 2022-02-22. Review status: criteria provided, single submitter. Criteria: Invitae Variant Classification Sherloc (09022015). Collection method: clinical testing. Allele origin: germline.
Comment: In summary, the available evidence is currently insufficient to determine the role of this variant in disease. Therefore, it has been classified as a Variant of Uncertain Significance. Algorithms developed to predict the effect of missense changes on protein structure and function (SIFT, PolyPhen-2, Align-GVGD) all suggest that this variant is likely to be tolerated. This variant has not been reported in the literature in individuals affected with AGK-related conditions. This variant is not present in population databases (gnomAD no frequency). This sequence change replaces isoleucine, which is neutral and non-polar, with leucine, which is neutral and non-polar, at codon 182 of the AGK protein (p.Ile182Leu).